The following is an entry in ClinVar:

NM_001220.5(CAMK2B):c.1531G>A (p.Gly511Ser)

Gene: CAMK2B (calcium/calmodulin dependent protein kinase II beta; minus strand). Cytogenetic location: 7p13.
Variant type: single nucleotide variant.
Coding change: c.1531G>A on transcript NM_001220.5 (MANE Select); coding-DNA position 1531, G replaced by A.
Protein change: p.Gly511Ser; replaces glycine 511 with serine.
Molecular consequence: missense variant. On other transcripts: intron variant (8).
Genome position (GRCh38, 1-based): chr7:44,226,582, C>T on the plus strand (G>A on the coding strand, the complement: CAMK2B is on the minus strand). VCF-style: chr7-44226582-C-T. GRCh37 (hg19) VCF-style: chr7-44266181-C-T.
Other names: c.947-5681G>A (NM_172084.3); c.1150+4424G>A (NM_172080.3); c.1036+4424G>A (NM_172083.3); c.1108+4424G>A (NM_172081.3); c.1153+4424G>A (NM_172079.3, NM_172082.3); c.1225+4424G>A (NM_001293170.2, NM_172078.3); short protein forms G511S.
Identifiers: ClinVar variation 2998895 (VCV002998895.3), dbSNP rs2485056552, ClinGen allele CA367371572.

ClinVar aggregate classification (germline): Uncertain significance (1 of 4 stars; one submission).

Allele frequency attached by ClinVar (database versions not stated): gnomAD exomes below 0.00001.
gnomAD v4.1: 1 of 1,495,910 alleles (0.000067%); highest among the groups gnomAD compares: Non-Finnish European, 0.000088%; no homozygotes.

Submission:

Labcorp Genetics (formerly Invitae), Labcorp
Classification: Uncertain significance. Last evaluated: 2023-07-16. Review status: criteria provided, single submitter. Criteria: Invitae Variant Classification Sherloc (09022015). Collection method: clinical testing. Allele origin: germline.
Comment: In summary, the available evidence is currently insufficient to determine the role of this variant in disease. Therefore, it has been classified as a Variant of Uncertain Significance. An algorithm developed to predict the effect of missense changes on protein structure and function (PolyPhen-2) suggests that this variant is likely to be tolerated. This variant has not been reported in the literature in individuals affected with CAMK2B-related conditions. This variant is not present in population databases (gnomAD no frequency). This sequence change replaces glycine, which is neutral and non-polar, with serine, which is neutral and polar, at codon 511 of the CAMK2B protein (p.Gly511Ser).